The following is an entry in ClinVar:

NM_001042492.3(NF1):c.4831C>T (p.Arg1611Trp)

Gene: NF1 (neurofibromin 1; plus strand). Cytogenetic location: 17q11.2.
Variant type: single nucleotide variant.
Coding change: c.4831C>T on transcript NM_001042492.3 (MANE Select); coding-DNA position 4831, C replaced by T.
Protein change: p.Arg1611Trp; replaces arginine 1611 with tryptophan.
Molecular consequence: missense variant.
Genome position (GRCh38, 1-based): chr17:31,265,335, C>T. VCF-style: chr17-31265335-C-T. GRCh37 (hg19) VCF-style: chr17-29592353-C-T.
Other names: c.4768C>T, p.Arg1590Trp (NM_000267.4); short protein forms R1590W, R1611W.
Identifiers: ClinVar variation 404515 (VCV000404515.56), dbSNP rs1060500316, ClinGen allele CA16615259.

ClinVar aggregate classification (germline): Conflicting classifications of pathogenicity. Review status: criteria provided, conflicting classifications (1 of 4 stars). 12 submissions from 12 submitters: Pathogenic (2); Uncertain significance (9). 1 of the submissions does not count toward it. Last evaluated 2026-09-07.

Conditions:
Juvenile myelomonocytic leukemia (JMML). Also called: LEUKEMIA, JUVENILE MYELOMONOCYTIC, SOMATIC. Identifiers: Orphanet 86834, MedGen C0349639, MONDO:0011908, OMIM 607785, HP:0012209.
NF1-related disorder. Also called: NF1-related condition. Identifiers: MedGen CN379171.
Hereditary cancer-predisposing syndrome. Also called: Neoplastic Syndromes, Hereditary; Hereditary neoplastic syndrome; Tumor predisposition; Hereditary Cancer Syndrome. Identifiers: Orphanet 140162, MedGen C0027672, MeSH D009386, MONDO:0015356.
Cardiovascular phenotype. Identifiers: MedGen CN230736.
Neurofibromatosis, type 1 (NF1). Also called: NEUROFIBROMATOSIS, TYPE I, SOMATIC; Peripheral type neurofibromatosis; Neurofibromatosis, type I; VON RECKLINGHAUSEN DISEASE. Identifiers: Orphanet 636, MedGen C0027831, MONDO:0018975, OMIM 162200. Disease mechanism: loss of function.

Allele frequency attached by ClinVar (database versions not stated): gnomAD exomes below 0.00001.
gnomAD v4.1: 6 of 1,605,748 alleles (0.00037%); highest among the groups gnomAD compares: East Asian, 0.0022%; no homozygotes.

Submissions (12):

GeneDx
Classification: Uncertain significance. Last evaluated: 2026-09-07. Review status: criteria provided, single submitter. Criteria: GeneDx Variant Classification Process June 2021. Collection method: clinical testing. Allele origin: germline.
Comment: Observed in individuals with features of neurofibromatosis type 1, several of whom did not meet NIH criteria (PMID: 9298829, 27322474, 29471550, 29673180, 31370276, 32575496); Observed in clinically unaffected adult relatives of individuals with features of neurofibromatosis type 1 referred for genetic testing at GeneDx and in published literature (PMID: 32575496, 27322474); In silico analysis supports that this missense variant has a deleterious effect on protein structure/function; This variant is associated with the following publications: (PMID: 32680567, 21089070, 9298829, 24803665, 27322474, 16405917, 29471550, 31370276, 32575496, 29673180, 35885913, 36243179, 33471991)

Labcorp Genetics (formerly Invitae), Labcorp
Classification: Pathogenic for Neurofibromatosis, type 1. Last evaluated: 2026-01-08. Review status: criteria provided, single submitter. Criteria: Invitae Variant Classification Sherloc (09022015). Collection method: clinical testing. Allele origin: germline.
Comment: This sequence change replaces arginine, which is basic and polar, with tryptophan, which is neutral and slightly polar, at codon 1590 of the NF1 protein (p.Arg1590Trp). This variant is present in population databases (no rsID available, gnomAD 0.006%). This missense change has been observed in individual(s) with clinical features of neurofibromatosis type 1 (PMID: 9298829, 27322474, 29673180, 32575496). Invitae Evidence Modeling of clinical and family history, age, sex, and reported ancestry of multiple individuals with this NF1 variant has been performed. This variant is expected to be pathogenic with a positive predictive value of at least 99%. This is a validated machine learning model that incorporates the clinical features of 1,785,918 individuals referred to our laboratory for NF1 testing. ClinVar contains an entry for this variant (Variation ID: 404515). Invitae Evidence Modeling of protein sequence and biophysical properties (such as structural, functional, and spatial information, amino acid conservation, physicochemical variation, residue mobility, and thermodynamic stability) indicates that this missense variant is expected to disrupt NF1 protein function with a positive predictive value of 95%. Experimental studies have shown that this missense change affects NF1 function (PMID: 21089070). This variant disrupts the p.Arg1590 amino acid residue in NF1. Other variant(s) that disrupt this residue have been determined to be pathogenic (internal data). This suggests that this residue is clinically significant, and that variants that disrupt this residue are likely to be disease-causing. For these reasons, this variant has been classified as Pathogenic.

Ambry Genetics
Classification: Uncertain significance for Cardiovascular phenotype; Hereditary cancer-predisposing syndrome. Last evaluated: 2025-10-29. Review status: criteria provided, single submitter. Criteria: Ambry Variant Classification Scheme 2023. Collection method: clinical testing. Allele origin: germline.
Comment: The p.R1590W variant (also known as c.4768C>T), located in coding exon 35 of the NF1 gene, results from a C to T substitution at nucleotide position 4768. The arginine at codon 1590 is replaced by tryptophan, an amino acid with dissimilar properties. This variant was reported in multiple individuals with features consistent with neurofibromatosis type 1 (Upadhyaya M et al. Hum Mutat, 1997;10:248-50; Barrea C et al. Neuropediatrics, 2018 Jun;49:180-184; Napolitano F et al. Genes (Basel), 2022 Jun;13:). This amino acid position is highly conserved in available vertebrate species. In addition, this alteration is predicted to be deleterious by in silico analysis. Based on the available evidence, the clinical significance of this variant remains unclear.

3billion
Classification: Uncertain significance for Neurofibromatosis, type 1. Last evaluated: 2025-09-08. Review status: criteria provided, single submitter. Criteria: ACMG Guidelines, 2015. Collection method: clinical testing. Allele origin: germline. Affected: yes.
Comment: The variant is observed at an extremely low frequency in the gnomAD v4.1.0 dataset (total allele frequency: <0.001%). Predicted Consequence/Location: Missense variant In silico tool predictions suggest damaging effect of the variant on gene or gene product [3Cnet: 0.99 (> 0.75, sensitivity 0.96 and precision 0.92)]. The same nucleotide change resulting in the same amino acid change has been previously reported to be associated with NF1-related disorder (PMID: 9298829). However, the evidence of pathogenicity is insufficient at this time. A different missense change at the same codon (p.Arg1611Leu) has been reported to be associated with NF1-related disorder (ClinVar ID: VCV002045116). Therefore, this variant is classified as VUS according to the recommendation of ACMG/AMP guideline.

Women's Health and Genetics/Laboratory Corporation of America, LabCorp
Classification: Pathogenic for Neurofibromatosis, type 1. Last evaluated: 2025-03-11. Review status: criteria provided, single submitter. Criteria: LabCorp Variant Classification Summary - May 2015. Collection method: clinical testing. Allele origin: germline.
Comment: Variant summary: NF1 c.4768C>T (p.Arg1590Trp) results in a non-conservative amino acid change located in the CRAL-TRIO lipid binding domain (IPR001251) of the encoded protein sequence. Four of five in-silico tools predict a damaging effect of the variant on protein function. The variant allele was found at a frequency of 4e-06 in 250500 control chromosomes. c.4768C>T has been reported in the heterozygous state in the literature and internally in multiple individuals affected with Neurofibromatosis Type 1, NF1-Noonan spectrum conditions, isolated cafe au lait macules or breast cancer (Upadhyaya_1997,Giugliano_2019,Dorling_2021, Stella_2018, Bianchessi_2020, Evans_2016, Labcorp Genetics (formerly Invitae)). It has also been reported in control cohorts and clinically unaffected family members (Okawa_2023, Dorling_2021, Evans_2016, Bianchessi_2020), suggesting incomplete penetrance or variable expressivity. These data indicate that the variant is very likely to be associated with disease. At least one publication reports experimental evidence evaluating an impact on protein function. The most pronounced variant effect results in about 20% of NF1 expression in E. coli (Welti_2010). Additionally, one missense variant at the Arg1590 residue has been reported in ClinVar (NM_000267.3:c.4769G>T p.Arg1590Leu), suggesting that this codon might be functionally important. The following publications have been ascertained in the context of this evaluation (PMID: 33471991, 31370276, 36243179, 9298829, 21089070, 29673180, 32575496, 27322474). ClinVar contains an entry for this variant (Variation ID: 404515). Based on the evidence outlined above, the variant was classified as pathogenic.

Blueprint Genetics
Classification: Uncertain significance. Last evaluated: 2023-12-28. Review status: criteria provided, single submitter. Criteria: ACMG Guidelines, 2015. Collection method: clinical testing. Allele origin: germline.

Baylor Genetics
Classification: Uncertain significance for Juvenile myelomonocytic leukemia. Last evaluated: 2023-09-29. Review status: criteria provided, single submitter. Criteria: ACMG Guidelines, 2015. Collection method: clinical testing. Allele origin: unknown.

Genome-Nilou Lab
Classification: Uncertain significance for Neurofibromatosis, type 1. Last evaluated: 2022-03-15. Review status: criteria provided, single submitter. Criteria: ACMG Guidelines, 2015. Collection method: clinical testing. Allele origin: germline. Affected: no.

CeGaT Center for Human Genetics Tuebingen
Classification: Uncertain significance. Last evaluated: 2021-09-01. Review status: criteria provided, single submitter. Criteria: CeGaT Center For Human Genetics Tuebingen Variant Classification Criteria Version 2. Collection method: clinical testing. Allele origin: germline. Affected: yes. Observed: 1 variant allele.

Athena Diagnostics
Classification: Uncertain significance. Last evaluated: 2020-03-11. Review status: criteria provided, single submitter. Criteria: Athena Diagnostics Criteria. Collection method: clinical testing. Allele origin: unknown.

Quest Diagnostics Nichols Institute San Juan Capistrano
Classification: Uncertain significance. Last evaluated: 2020-03-11. Review status: criteria provided, single submitter. Criteria: Quest Diagnostics criteria. Collection method: clinical testing. Allele origin: unknown.

PreventionGenetics, part of Exact Sciences
Classification: Uncertain significance for NF1-related condition. Last evaluated: 2024-09-11. Review status: no assertion criteria provided. Collection method: clinical testing. Allele origin: germline. Not counted in ClinVar's aggregate classification.
Comment: The NF1 c.4831C>T variant is predicted to result in the amino acid substitution p.Arg1611Trp. This variant is also referred to as p.Arg1590Trp in an alternate transcript (NM_000267.3). This variant has been reported in individuals with features of neurofibromatosis type 1 (Upadhyaya et al. 1997. PubMed ID: 9298829; Giugliano et al. 2019. PubMed ID: 31370276; Stella A et al. 2018. PubMed ID: 29673180). However, the variant was also detected in unaffected family members (Evans et al. 2016. PubMed ID: 27322474; Bianchessi et al. 2020. PubMed ID: 32575496). This variant is reported in 0.0054% of alleles in individuals of East Asian descent in gnomAD and has conflicting interpretations of likely pathogenic and uncertain in ClinVar. Although we suspect this variant could be pathogenic, at this time, the clinical significance of this variant is uncertain due to the absence of conclusive functional and genetic evidence.

Literature cited by the submitters: PubMed 9298829 (cited by 6 submitters); PubMed 27322474 (cited by 4 submitters); PubMed 29673180 (cited by 4 submitters); PubMed 32575496 (cited by Labcorp Genetics (formerly Invitae), Labcorp and Women's Health and Genetics/Laboratory Corporation of America, LabCorp); PubMed 21089070 (cited by 4 submitters); PubMed 29471550 (cited by 3 submitters); PubMed 35885913 (cited by Ambry Genetics); PubMed 31370276 (cited by 3 submitters); PubMed 33471991 (cited by Women's Health and Genetics/Laboratory Corporation of America, LabCorp); PubMed 36243179 (cited by Women's Health and Genetics/Laboratory Corporation of America, LabCorp).